The following is an entry in ClinVar:

ClinVar aggregate classification (germline): Uncertain significance. Review status: criteria provided, single submitter (1 of 4 stars). 2 submissions from 2 submitters: Uncertain significance (1). 1 of the submissions does not count toward it. Last evaluated 2026-06-23.

Conditions:
beta Thalassemia (BTHAL). Also called: Cooley's anemia; Erythroblastic anemia; Mediterranean anemia. Identifiers: Orphanet 848, MedGen C0005283, MONDO:0019402. Disease mechanism: loss of function.

Submissions (2):

Women's Health and Genetics/Laboratory Corporation of America, LabCorp
Classification: Uncertain significance. Last evaluated: 2026-06-23. Review status: criteria provided, single submitter. Criteria: LabCorp Variant Classification Summary - May 2015. Collection method: clinical testing. Allele origin: germline.
Comment: Variant summary: HBB c.396G>T (p.Gln132His) results in a non-conservative amino acid change in the encoded protein sequence. Algorithms developed to predict the effect of missense changes on protein structure and function all suggest that this variant is likely to be disruptive. The variant was absent in 251350 control chromosomes. The available data on variant occurrences in the general population are insufficient to allow any conclusion about variant significance. To our knowledge, no occurrence of c.396G>T in individuals affected with HBB-related conditions and no experimental evidence demonstrating its impact on protein function have been reported. ClinVar contains an entry for this variant (Variation ID: 4069116). Based on the evidence outlined above, the variant was classified as uncertain significance.

Natera, Inc.
Classification: Uncertain significance for Beta thalassemia. Last evaluated: 2025-02-10. Review status: no assertion criteria provided. Collection method: clinical testing. Allele origin: germline. Not counted in ClinVar's aggregate classification.

NM_000518.5(HBB):c.396G>T (p.Gln132His)

Genes: HBB (hemoglobin subunit beta; minus strand), LOC107133510 (origin of replication at HBB; plus strand), LOC110006319 (beta-globin gene 3' regulatory region; plus strand). Cytogenetic location: 11p15.4.
Variant type: single nucleotide variant.
Coding change: c.396G>T on transcript NM_000518.5 (MANE Select); coding-DNA position 396, G replaced by T.
Protein change: p.Gln132His; replaces glutamine 132 with histidine.
Molecular consequence: missense variant.
Genome position (GRCh38, 1-based): chr11:5,225,646, C>A on the plus strand (G>T on the coding strand, the complement: HBB is on the minus strand). VCF-style: chr11-5225646-C-A. GRCh37 (hg19) VCF-style: chr11-5246876-C-A.
Other names: short protein forms Q132H.
Identifiers: ClinVar variation 4069116 (VCV004069116.2).